The following is an entry in ClinVar:

NM_015036.3(ENDOD1):c.606A>G (p.Thr202=)

Gene: ENDOD1 (endonuclease domain containing 1; plus strand). Cytogenetic location: 11q21.
Variant type: single nucleotide variant.
Coding change: c.606A>G on transcript NM_015036.3 (MANE Select); coding-DNA position 606, A replaced by G.
Protein change: p.Thr202=; no amino-acid change (threonine 202 retained).
Molecular consequence: synonymous variant.
Genome position (GRCh38, 1-based): chr11:95,128,682, A>G. VCF-style: chr11-95128682-A-G. GRCh37 (hg19) VCF-style: chr11-94861846-A-G.
Identifiers: ClinVar variation 2642303 (VCV002642303.24), dbSNP rs184606168, ClinGen allele CA6238341.

ClinVar aggregate classification (germline): Likely benign (1 of 4 stars; one submission).

Allele frequency attached by ClinVar (database versions not stated): 1000 Genomes Project 30x 0.00016; 1000 Genomes Project 0.00020; gnomAD 0.00168; TOPMed 0.00172; ExAC 0.00191; ESP Exome Variant Server 0.00268.
gnomAD v4.1: 3,669 of 1,614,212 alleles (0.23%); highest among the groups gnomAD compares: Non-Finnish European, 0.28%; 8 homozygotes.

Submission:

CeGaT Center for Human Genetics Tuebingen
Classification: Likely benign. Last evaluated: 2023-01-01. Review status: criteria provided, single submitter. Criteria: CeGaT Center For Human Genetics Tuebingen Variant Classification Criteria Version 2. Collection method: clinical testing. Allele origin: germline. Affected: yes. Observed: 2 variant alleles.
Comment: ENDOD1: BP4, BP7